The following is an entry in ClinVar:

ClinVar aggregate classification (germline): Likely benign. Review status: criteria provided, multiple submitters, no conflicts (2 of 4 stars). 8 submissions from 8 submitters: Likely benign (8). Last evaluated 2026-09-01.

Conditions:
Aortic aneurysm, familial thoracic 4 (AAT4). Also called: AORTIC ANEURYSM/AORTIC DISSECTION AND PATENT DUCTUS ARTERIOSUS. Identifiers: MedGen C1851504, MONDO:0007568, OMIM 132900.
MYH11-related disorder. Also called: MYH11-related condition.
Familial thoracic aortic aneurysm and aortic dissection (TAAD). Also called: Thoracic aortic aneurysms and dissections. Identifiers: Orphanet 91387, MedGen C4707243, MONDO:0019625.

Allele frequency attached by ClinVar (database versions not stated): gnomAD 0.00001 and 0.00002; ExAC 0.00002; TOPMed 0.00002; gnomAD exomes 0.00004 and 0.00006.
gnomAD v4.1: 95 of 1,614,084 alleles (0.0059%); highest among the groups gnomAD compares: Non-Finnish European, 0.0065%; no homozygotes.

Submissions (8):

CeGaT Center for Human Genetics Tuebingen
Classification: Likely benign. Last evaluated: 2026-09-01. Review status: criteria provided, single submitter. Criteria: CeGaT Center For Human Genetics Tuebingen Variant Classification Criteria Version 2. Collection method: clinical testing. Allele origin: germline. Affected: yes. Observed: 2 variant alleles.
Comment: MYH11: BP4, BP7

Labcorp Genetics (formerly Invitae), Labcorp
Classification: Likely benign for Aortic aneurysm, familial thoracic 4. Last evaluated: 2025-11-30. Review status: criteria provided, single submitter. Criteria: Invitae Variant Classification Sherloc (09022015). Collection method: clinical testing. Allele origin: germline.

PreventionGenetics, part of Exact Sciences
Classification: Likely benign for MYH11-related condition. Last evaluated: 2024-11-07. Review status: criteria provided, single submitter. Criteria: ACMG Guidelines, 2015. Collection method: clinical testing. Allele origin: germline.
Comment: This variant is classified as likely benign based on ACMG/AMP sequence variant interpretation guidelines (Richards et al. 2015 PMID: 25741868, with internal and published modifications).

All of Us Research Program, National Institutes of Health
Classification: Likely benign for Familial thoracic aortic aneurysm and aortic dissection. Last evaluated: 2023-12-01. Review status: criteria provided, single submitter. Criteria: ACMG Guidelines, 2015. Collection method: clinical testing. Allele origin: germline. Inheritance: Autosomal dominant inheritance. Observed: 13 variant alleles, 13 heterozygotes.
Comment: This study involves interpretation of variants in research participants for the purpose of population health screening. Participant phenotype was not available at the time of variant classification. Additional details can be found in publication PMID: 35346344, PMCID: PMC8962531

Blueprint Genetics
Classification: Likely benign. Last evaluated: 2022-02-01. Review status: criteria provided, single submitter. Criteria: ACMG Guidelines, 2015. Collection method: clinical testing. Allele origin: germline.

Ambry Genetics
Classification: Likely benign for Familial thoracic aortic aneurysm and aortic dissection. Last evaluated: 2020-02-03. Review status: criteria provided, single submitter. Criteria: Ambry Variant Classification Scheme 2023. Collection method: clinical testing. Allele origin: germline.

Color Diagnostics, LLC DBA Color Health
Classification: Likely benign for Familial thoracic aortic aneurysm and aortic dissection. Last evaluated: 2019-02-28. Review status: criteria provided, single submitter. Criteria: ACMG Guidelines, 2015. Collection method: clinical testing. Allele origin: germline.

GeneDx
Classification: Likely benign. Last evaluated: 2015-11-03. Review status: criteria provided, single submitter. Criteria: GeneDx Variant Classification (06012015). Collection method: clinical testing. Allele origin: germline. Affected: yes.
Comment: This variant is considered likely benign or benign based on one or more of the following criteria: it is a conservative change, it occurs at a poorly conserved position in the protein, it is predicted to be benign by multiple in silico algorithms, and/or has population frequency not consistent with disease.

NM_002474.3(MYH11):c.4374C>T (p.Ala1458=)

Genes: MYH11 (myosin heavy chain 11; minus strand), NDE1 (nudE neurodevelopment protein 1; plus strand). Cytogenetic location: 16p13.11.
Variant type: single nucleotide variant.
Coding change: c.4374C>T on transcript NM_002474.3 (MANE Select); coding-DNA position 4374, C replaced by T.
Protein change: p.Ala1458=; no amino-acid change (alanine 1458 retained).
Molecular consequence: synonymous variant. On other transcripts: intron variant (2).
Genome position (GRCh38, 1-based): chr16:15,721,626, G>A on the plus strand (C>T on the coding strand, the complement: MYH11 is on the minus strand). VCF-style: chr16-15721626-G-A. GRCh37 (hg19) VCF-style: chr16-15815483-G-A.
Other names: c.4395C>T, p.Ala1465= (NM_001040113.2, NM_001040114.2); c.4374C>T, p.Ala1458= (NM_022844.3); c.948-2565G>A (NM_001143979.2, NM_017668.3).
Identifiers: ClinVar variation 379006 (VCV000379006.23), dbSNP rs767066866, ClinGen allele CA7921673.
Genomic context (GRCh38, chr16:15,721,626, plus strand): 5'-GGCTTCTGCCTCAGCTCTGTCCCTCTCATCCGCGTATTTGGAAGAGATGTTTTTCTCCTC[G>A]GCTAACAACTACAACACAAGACCCAGAGGTGACTTCTAGGCATATCCGGGGTCAGCGTCA-3'
Protein context (NP_002465.1, residues 1448-1468): KKQRKFDQLL[Ala1458=]EEKNISSKYA